The following is an entry in ClinVar:

NM_005120.3(MED12):c.3413G>A (p.Arg1138Gln)

Gene: MED12 (mediator complex subunit 12; plus strand). Cytogenetic location: Xq13.1.
Variant type: single nucleotide variant.
Coding change: c.3413G>A on transcript NM_005120.3 (MANE Select); coding-DNA position 3413, G replaced by A.
Protein change: p.Arg1138Gln; replaces arginine 1138 with glutamine.
Molecular consequence: missense variant.
Genome position (GRCh38, 1-based): chrX:71,128,656, G>A. VCF-style: chrX-71128656-G-A. GRCh37 (hg19) VCF-style: chrX-70348506-G-A.
Other names: short protein forms R1138Q.
Identifiers: ClinVar variation 225091 (VCV000225091.4), dbSNP rs869312960, ClinGen allele CA358185.

ClinVar aggregate classification (germline): Uncertain significance (1 of 4 stars; one submission).

Conditions:
Inborn genetic diseases. Identifiers: MedGen C0950123, MeSH D030342.

Submission:

Ambry Genetics
Classification: Uncertain significance for Inborn genetic diseases. Last evaluated: 2014-03-11. Review status: criteria provided, single submitter. Criteria: Ambry Autosomal Dominant and X-Linked criteria (10/2015). Collection method: clinical testing. Allele origin: germline. Observed: 1 variant allele.
Comment: There is insufficient or conflicting evidence for classification of this alteration.